The following is an entry in ClinVar:

ClinVar aggregate classification (germline): Likely pathogenic. Review status: criteria provided, single submitter (1 of 4 stars). 2 submissions from 2 submitters: Likely pathogenic (1). 1 of the submissions does not count toward it. Last evaluated 2023-05-22.

Conditions:
Glucose-6-phosphate transport defect (GSD1B). Also called: Glycogen Storage Disease Type Ib; GSD Ib. Identifiers: Orphanet 364, Orphanet 79259, MedGen C0268146, MONDO:0009288, OMIM 232220.

Submissions (2):

Women's Health and Genetics/Laboratory Corporation of America, LabCorp
Classification: Likely pathogenic for Glucose-6-phosphate transport defect. Last evaluated: 2023-05-22. Review status: criteria provided, single submitter. Criteria: LabCorp Variant Classification Summary - May 2015. Collection method: clinical testing. Allele origin: germline.
Comment: Variant summary: SLC37A4 c.871-2A>C is located in a canonical splice-site and is predicted to affect mRNA splicing resulting in a significantly altered protein due to either exon skipping, shortening, or inclusion of intronic material. Several computational tools predict a significant impact on normal splicing: Three predict the variant abolishes a 3' acceptor site. However, these predictions have yet to be confirmed by functional studies. The variant was absent in 204102 control chromosomes. To our knowledge, no occurrence of c.871-2A>C in individuals affected with Glycogen Storage Disease Type Ib and no experimental evidence demonstrating its impact on protein function have been reported. One clinical diagnostic laboratory has submitted clinical-significance assessments for this variant to ClinVar after 2014 without evidence for independent evaluation. One laboratory classified the variant as likely pathogenic. Based on the evidence outlined above, the variant was classified as likely pathogenic.

Counsyl
Classification: Likely pathogenic for Glucose-6-phosphate transport defect. Last evaluated: 2017-04-05. Review status: no assertion criteria provided. Collection method: clinical testing. Allele origin: unknown. Not counted in ClinVar's aggregate classification.

NM_001164277.2(SLC37A4):c.872-2A>C

Gene: SLC37A4 (solute carrier family 37 member 4; minus strand). Cytogenetic location: 11q23.3.
Variant type: single nucleotide variant.
Coding change: c.872-2A>C on transcript NM_001164277.2 (MANE Select); the canonical splice acceptor site of the intron before coding-DNA position 872, A replaced by C.
Molecular consequence: splice acceptor variant.
Genome position (GRCh38, 1-based): chr11:119,026,082, T>G on the plus strand (A>C on the coding strand, the complement: SLC37A4 is on the minus strand). VCF-style: chr11-119026082-T-G. GRCh37 (hg19) VCF-style: chr11-118896792-T-G.
Other names: c.653-2A>C (NM_001164279.2); c.872-2A>C (NM_001467.6, NM_001164278.2, NM_001164280.2).
Identifiers: ClinVar variation 551369 (VCV000551369.3), dbSNP rs920196110, ClinGen allele CA382898225.